The following is an entry in ClinVar:

ClinVar aggregate classification (germline): Uncertain significance (0 of 4 stars; one submission).

Conditions:
RAI1-related disorder. Also called: RAI1-related condition.

gnomAD v4.1: 5 of 1,614,030 alleles (0.00031%); highest among the groups gnomAD compares: Non-Finnish European, 0.00042%; no homozygotes.

Submission:

PreventionGenetics, part of Exact Sciences
Classification: Uncertain significance for RAI1-related condition. Last evaluated: 2024-02-12. Review status: no assertion criteria provided. Collection method: clinical testing. Allele origin: germline.
Comment: The RAI1 c.1176C>G variant is predicted to result in the amino acid substitution p.Phe392Leu. To our knowledge, this variant has not been reported in the literature. This variant is reported in 0.0065% of alleles in individuals of European (Non-Finnish) descent in gnomAD. At this time, the clinical significance of this variant is uncertain due to the absence of conclusive functional and genetic evidence.

NM_030665.4(RAI1):c.1176C>G (p.Phe392Leu)

Gene: RAI1 (retinoic acid induced 1; plus strand). Cytogenetic location: 17p11.2.
Variant type: single nucleotide variant.
Coding change: c.1176C>G on transcript NM_030665.4 (MANE Select); coding-DNA position 1176, C replaced by G.
Protein change: p.Phe392Leu; replaces phenylalanine 392 with leucine.
Molecular consequence: missense variant.
Genome position (GRCh38, 1-based): chr17:17,794,124, C>G. VCF-style: chr17-17794124-C-G. GRCh37 (hg19) VCF-style: chr17-17697438-C-G.
Other names: short protein forms F392L.
Identifiers: ClinVar variation 3349658 (VCV003349658.1).